The following is an entry in ClinVar:

ClinVar aggregate classification (germline): Pathogenic/Likely pathogenic. Review status: criteria provided, multiple submitters, no conflicts (2 of 4 stars). 4 submissions from 4 submitters: Pathogenic (1); Likely pathogenic (3). Last evaluated 2026-04-14.

Conditions:
Sulfate transporter-related osteochondrodysplasia. Also called: DTDST-related dysplasias. Identifiers: MedGen CN120497. Disease mechanism: loss of function.
Diastrophic dysplasia (DTD). Also called: Diastrophic dwarfism. Identifiers: Orphanet 628, MedGen C0220726, MONDO:0009107, OMIM 222600.
Achondrogenesis, type IB (ACG1B). Also called: Achondrogenesis Type 1B. Identifiers: Orphanet 932, Orphanet 93298, MedGen C0265274, MONDO:0010966, OMIM 600972.
SLC26A2-related skeletal dysplasia. Identifiers: MedGen CN379209, MONDO:0100592.

Allele frequency attached by ClinVar (database versions not stated): gnomAD exomes below 0.00001; gnomAD 0.00001.
gnomAD v4.1: 4 of 1,614,062 alleles (0.00025%); highest among the groups gnomAD compares: Middle Eastern, 0.033%; no homozygotes.

Submissions (4):

Myriad Genetics, Inc.
Classification: Likely pathogenic for SLC26A2-related skeletal dysplasia. Last evaluated: 2026-04-14. Review status: criteria provided, single submitter. Criteria: Myriad Autosomal Dominant, Autosomal Recessive and X-Linked Classification Criteria (2023). Collection method: clinical testing. Allele origin: unknown.
Comment: NM_000112.3(SLC26A2):c.1448T>C(L483P) is a missense variant classified as likely pathogenic in the context of SLC26A2-related disorders. L483P has been observed in cases with relevant disease (PMID: 27848944, 8702490). Relevant functional assessments of this variant are available in the literature (PMID: 11448940, 15294877). L483P has not been observed in referenced population frequency databases. In summary, NM_000112.3(SLC26A2):c.1448T>C(L483P) is a missense variant that has been observed more frequently in cases with the relevant disease than in healthy populations. Please note: this variant was assessed in the context of healthy population screening.

Natera, Inc.
Classification: Likely pathogenic for Achondrogenesis type IB. Last evaluated: 2025-07-07. Review status: criteria provided, single submitter. Criteria: Natera Variant Classification Schema (03/2026). Collection method: clinical testing. Allele origin: germline.
Comment: The c.1448T>C variant in SLC26A2 is a missense variant predicted to cause substitution of leucine to proline at amino acid 483. This variant is rare in the general population with a frequency below the threshold expected for the associated phenotype(s). This variant has been observed in one or more individuals affected with the associated recessive disease, as either homozygous or compound heterozygous with a second variant (PMID: 27848944, 8702490, 26077908). Functional studies show that this variant may disrupt protein function (PMID: 15294877). Computational prediction algorithms indicate this variant is likely to affect gene or protein function. Given the available evidence, this variant is classified as Likely Pathogenic.

Genomic Medicine Center of Excellence, King Faisal Specialist Hospital and Research Centre
Classification: Likely pathogenic for Diastrophic dysplasia. Last evaluated: 2024-03-14. Review status: criteria provided, single submitter. Criteria: ACMG Guidelines, 2015. Collection method: clinical testing. Allele origin: germline.

Women's Health and Genetics/Laboratory Corporation of America, LabCorp
Classification: Pathogenic for Osteochondrodysplasia. Last evaluated: 2022-12-01. Review status: criteria provided, single submitter. Criteria: LabCorp Variant Classification Summary - May 2015. Collection method: clinical testing. Allele origin: germline.
Comment: Variant summary: SLC26A2 c.1448T>C (p.Leu483Pro) results in a non-conservative amino acid change located in the SLC26A/SulP transporter domain (IPR011547) of the encoded protein sequence, specifically TM helix 12 (Rapp_2017). Five of five in-silico tools predict a damaging effect of the variant on protein function, and 3D modeling suggests this variant might alter protein conformation and interaction between domains (Rapp_2017). The variant was absent in 251234 control chromosomes. c.1448T>C has been reported in the literature in individuals affected with Achondrogenesis Type 1B and Aplasia/hypoplasia of the extremities (Rossi_1996, Trujillano_2017). These data indicate that the variant is likely to be associated with disease. Multiple publications reports experimental evidence evaluating an impact on protein function, showing a loss of sulfate uptake in patient derived cells (Rossi_1996) and a loss of sulfate transport activity in Xenopus oocytes and HEK cells in which the variant was introduced (Karniski_2001,2004). These studies suggest a variant effect resulting in <10% of normal activity. No clinical diagnostic laboratories have submitted clinical-significance assessments for this variant to ClinVar after 2014. Based on the evidence outlined above, the variant was classified as pathogenic.

Literature cited by the submitters: PubMed 11448940 (cited by Myriad Genetics, Inc. and Women's Health and Genetics/Laboratory Corporation of America, LabCorp); PubMed 15294877 (cited by 3 submitters); PubMed 27848944 (cited by 3 submitters); PubMed 8702490 (cited by 3 submitters); PubMed 26077908 (cited by Natera, Inc.); PubMed 28941661 (cited by Women's Health and Genetics/Laboratory Corporation of America, LabCorp).

NM_000112.4(SLC26A2):c.1448T>C (p.Leu483Pro)

Gene: SLC26A2 (solute carrier family 26 member 2; plus strand). Cytogenetic location: 5q32.
Variant type: single nucleotide variant.
Coding change: c.1448T>C on transcript NM_000112.4 (MANE Select); coding-DNA position 1448, T replaced by C.
Protein change: p.Leu483Pro; replaces leucine 483 with proline.
Molecular consequence: missense variant.
Genome position (GRCh38, 1-based): chr5:149,981,041, T>C. VCF-style: chr5-149981041-T-C. GRCh37 (hg19) VCF-style: chr5-149360604-T-C.
Other names: short protein forms L483P.
Identifiers: ClinVar variation 1878283 (VCV001878283.4), dbSNP rs1755089566, ClinGen allele CA361707892.